The following is an entry in ClinVar:

NM_002485.5(NBN):c.2260A>G (p.Arg754Gly)

Gene: NBN (nibrin; minus strand). Cytogenetic location: 8q21.3.
Variant type: single nucleotide variant.
Coding change: c.2260A>G on transcript NM_002485.5 (MANE Select); coding-DNA position 2260, A replaced by G.
Protein change: p.Arg754Gly; replaces arginine 754 with glycine.
Molecular consequence: missense variant.
Genome position (GRCh38, 1-based): chr8:89,935,587, T>C on the plus strand (A>G on the coding strand, the complement: NBN is on the minus strand). VCF-style: chr8-89935587-T-C. GRCh37 (hg19) VCF-style: chr8-90947815-T-C.
Other names: c.2014A>G, p.Arg672Gly (NM_001024688.3); short protein forms R754G, R672G.
Identifiers: ClinVar variation 1957837 (VCV001957837.6), dbSNP rs2130735641, ClinGen allele CA371674669.
Genomic context (GRCh38, chr8:89,935,587, plus strand): 5'-CTGAAGTAGATGCTTACTAGGAAGTTTTTCCATGGCTTCTTTTTAAAATCCTCAGTTATC[T>C]TCTCCTTTTTAAATAAGGATTGTATCTGCAAAGAAAGAAATGGGGTTAAATGATATTTAG-3'
Protein context (NP_002476.2, residues 744-754): FRYNPYLKRR[Arg754Gly]

ClinVar aggregate classification (germline): Uncertain significance. Review status: criteria provided, multiple submitters, no conflicts (2 of 4 stars). 2 submissions from 2 submitters: Uncertain significance (2). Last evaluated 2026-07-06.

Conditions:
Microcephaly, normal intelligence and immunodeficiency (NBS). Also called: Nijmegen breakage syndrome; Microcephaly with normal intelligence immunodeficiency and lymphoreticular malignancies; Nonsyndromal microcephaly autosomal recessive with normal intelligence; Seemanova syndrome 2; BERLIN BREAKAGE SYNDROME; Ataxia telangiectasia variant V1. Identifiers: Orphanet 647, MedGen C0398791, MONDO:0009623, OMIM 251260.
Hereditary cancer-predisposing syndrome. Also called: Hereditary neoplastic syndrome; Neoplastic Syndromes, Hereditary; Tumor predisposition; Hereditary Cancer Syndrome. Identifiers: Orphanet 140162, MedGen C0027672, MeSH D009386, MONDO:0015356.

Submissions (2):

Ambry Genetics
Classification: Uncertain significance for Hereditary cancer-predisposing syndrome. Last evaluated: 2026-07-06. Review status: criteria provided, single submitter. Criteria: Ambry Variant Classification Scheme 2023. Collection method: clinical testing. Allele origin: germline.
Comment: The p.R754G variant (also known as c.2260A>G), located in coding exon 16 of the NBN gene, results from an A to G substitution at nucleotide position 2260. The arginine at codon 754 is replaced by glycine, an amino acid with dissimilar properties. This amino acid position is conserved. In addition, the in silico prediction for this alteration is inconclusive. Based on the available evidence, the clinical significance of this variant remains unclear.

Labcorp Genetics (formerly Invitae), Labcorp
Classification: Uncertain significance for Microcephaly, normal intelligence and immunodeficiency. Last evaluated: 2022-01-04. Review status: criteria provided, single submitter. Criteria: Invitae Variant Classification Sherloc (09022015). Collection method: clinical testing. Allele origin: germline.
Comment: This sequence change replaces arginine, which is basic and polar, with glycine, which is neutral and non-polar, at codon 754 of the NBN protein (p.Arg754Gly). This variant is not present in population databases (gnomAD no frequency). This variant has not been reported in the literature in individuals affected with NBN-related conditions. Algorithms developed to predict the effect of missense changes on protein structure and function are either unavailable or do not agree on the potential impact of this missense change (SIFT: "Tolerated"; PolyPhen-2: "Probably Damaging"; Align-GVGD: "Class C0"). In summary, the available evidence is currently insufficient to determine the role of this variant in disease. Therefore, it has been classified as a Variant of Uncertain Significance.